The following is an entry in ClinVar:

NM_000812.4(GABRB1):c.299C>T (p.Ser100Phe)

Gene: GABRB1 (gamma-aminobutyric acid type A receptor subunit beta1; plus strand). Cytogenetic location: 4p12.
Variant type: single nucleotide variant.
Coding change: c.299C>T on transcript NM_000812.4 (MANE Select); coding-DNA position 299, C replaced by T.
Protein change: p.Ser100Phe; replaces serine 100 with phenylalanine.
Molecular consequence: missense variant.
Genome position (GRCh38, 1-based): chr4:47,161,307, C>T. VCF-style: chr4-47161307-C-T. GRCh37 (hg19) VCF-style: chr4-47163324-C-T.
Other names: short protein forms S100F.
Identifiers: ClinVar variation 1506990 (VCV001506990.10), dbSNP rs1237522999, ClinGen allele CA356805831.

ClinVar aggregate classification (germline): Uncertain significance. Review status: criteria provided, multiple submitters, no conflicts (2 of 4 stars). 2 submissions from 2 submitters: Uncertain significance (2). Last evaluated 2025-04-03.

Allele frequency attached by ClinVar (database versions not stated): gnomAD exomes below 0.00001.

Submissions (2):

Women's Health and Genetics/Laboratory Corporation of America, LabCorp
Classification: Uncertain significance. Last evaluated: 2025-04-03. Review status: criteria provided, single submitter. Criteria: LabCorp Variant Classification Summary - May 2015. Collection method: clinical testing. Allele origin: germline.
Comment: Variant summary: GABRB1 c.299C>T (p.Ser100Phe) results in a non-conservative amino acid change in the encoded protein sequence. Three of five in-silico tools predict a benign effect of the variant on protein function. The variant allele was found at a frequency of 4e-06 in 250744 control chromosomes. The available data on variant occurrences in the general population are insufficient to allow any conclusion about variant significance. To our knowledge, no occurrence of c.299C>T in individuals affected with Developmental And Epileptic Encephalopathy, 45 and no experimental evidence demonstrating its impact on protein function have been reported. ClinVar contains an entry for this variant (Variation ID: 1506990). Based on the evidence outlined above, the variant was classified as uncertain significance.

Labcorp Genetics (formerly Invitae), Labcorp
Classification: Uncertain significance. Last evaluated: 2025-02-24. Review status: criteria provided, single submitter. Criteria: Invitae Variant Classification Sherloc (09022015). Collection method: clinical testing. Allele origin: germline.
Comment: This sequence change replaces serine, which is neutral and polar, with phenylalanine, which is neutral and non-polar, at codon 100 of the GABRB1 protein (p.Ser100Phe). This variant is present in population databases (no rsID available, gnomAD 0.006%). This variant has not been reported in the literature in individuals affected with GABRB1-related conditions. ClinVar contains an entry for this variant (Variation ID: 1506990). Invitae Evidence Modeling of protein sequence and biophysical properties (such as structural, functional, and spatial information, amino acid conservation, physicochemical variation, residue mobility, and thermodynamic stability) indicates that this missense variant is not expected to disrupt GABRB1 protein function with a negative predictive value of 80%. In summary, the available evidence is currently insufficient to determine the role of this variant in disease. Therefore, it has been classified as a Variant of Uncertain Significance.